The following is an entry in ClinVar:

ClinVar aggregate classification (germline): Likely pathogenic. Review status: criteria provided, multiple submitters, no conflicts (2 of 4 stars). 2 submissions from 2 submitters: Likely pathogenic (2). Last evaluated 2025-03-06.

Conditions:
SMARCA2-related disorder. Also called: SMARCA2-related condition.

Submissions (2):

PreventionGenetics, part of Exact Sciences
Classification: Likely pathogenic for SMARCA2-related condition. Last evaluated: 2025-03-06. Review status: criteria provided, single submitter. Criteria: ACMG Guidelines, 2015. Collection method: clinical testing. Allele origin: germline.
Comment: The SMARCA2 c.3314G>T variant is predicted to result in the amino acid substitution p.Arg1105Leu. To our knowledge, this variant has not been reported in the literature or in a large population database, indicating this variant is rare. Other missense variants at this amino acid have been reported to occur de novo in individuals with Nicolaides-Baraitser syndrome (Zhang et al. 2022. PubMed ID: 35811451; Henriquez-Lopez et al. 2023. PubMed ID: 36779796). This variant is interpreted as likely pathogenic.

CeGaT Center for Human Genetics Tuebingen
Classification: Likely pathogenic. Last evaluated: 2019-05-01. Review status: criteria provided, single submitter. Criteria: CeGaT Center For Human Genetics Tuebingen Variant Classification Criteria Version 2. Collection method: clinical testing. Allele origin: germline. Affected: yes. Observed: 3 variant alleles.

NM_003070.5(SMARCA2):c.3314G>T (p.Arg1105Leu)

Gene: SMARCA2 (SWI/SNF related BAF chromatin remodeling complex subunit ATPase 2; plus strand). Cytogenetic location: 9p24.3.
Variant type: single nucleotide variant.
Coding change: c.3314G>T on transcript NM_003070.5 (MANE Select); coding-DNA position 3314, G replaced by T.
Protein change: p.Arg1105Leu; replaces arginine 1105 with leucine.
Molecular consequence: missense variant.
Genome position (GRCh38, 1-based): chr9:2,110,275, G>T. VCF-style: chr9-2110275-G-T. GRCh37 (hg19) VCF-style: chr9-2110275-G-T.
Other names: c.3314G>T, p.Arg1105Leu (NM_001289396.2, NM_139045.4); c.3140G>T, p.Arg1047Leu (NM_001289397.2); short protein forms R1105L, R1047L.
Identifiers: ClinVar variation 810345 (VCV000810345.43), dbSNP rs281875197, ClinGen allele CA372788007.